The following is an entry in ClinVar:

ClinVar aggregate classification (germline): Likely pathogenic (1 of 4 stars; one submission).

Conditions:
Congenital muscular dystrophy due to integrin alpha-7 deficiency. Also called: MYOPATHY, CONGENITAL, DUE TO INTEGRIN ALPHA-7 DEFICIENCY; Congenital muscular dystrophy with integrin alpha-7 deficiency; Muscular dystrophy, congenital, due to ITGA7 deficiency. Identifiers: Orphanet 34520, MedGen C2750786, MONDO:0013177, OMIM 613204.

Allele frequency attached by ClinVar (database versions not stated): gnomAD exomes below 0.00001.

Submission:

Labcorp Genetics (formerly Invitae), Labcorp
Classification: Likely pathogenic for Congenital muscular dystrophy due to integrin alpha-7 deficiency. Last evaluated: 2021-11-13. Review status: criteria provided, single submitter. Criteria: Invitae Variant Classification Sherloc (09022015). Collection method: clinical testing. Allele origin: germline.
Comment: This sequence change affects a donor splice site in intron 5 of the ITGA7 gene. It is expected to disrupt RNA splicing. Variants that disrupt the donor or acceptor splice site typically lead to a loss of protein function (PMID: 16199547), and loss-of-function variants in ITGA7 are known to be pathogenic (PMID: 9590299). This variant is not present in population databases (gnomAD no frequency). In summary, the currently available evidence indicates that the variant is pathogenic, but additional data are needed to prove that conclusively. Therefore, this variant has been classified as Likely Pathogenic. Algorithms developed to predict the effect of sequence changes on RNA splicing suggest that this variant may disrupt the consensus splice site. This variant has not been reported in the literature in individuals affected with ITGA7-related conditions.

Literature cited by the submitters: PubMed 16199547; PubMed 9590299.

NM_002206.3(ITGA7):c.790+1G>A

Gene: ITGA7 (integrin subunit alpha 7; minus strand). Cytogenetic location: 12q13.2.
Variant type: single nucleotide variant.
Coding change: c.790+1G>A on transcript NM_002206.3 (MANE Select); the canonical splice donor site of the intron after coding-DNA position 790, G replaced by A.
Molecular consequence: splice donor variant. On other transcripts: intron variant (7).
Genome position (GRCh38, 1-based): chr12:55,699,869, C>T on the plus strand (G>A on the coding strand, the complement: ITGA7 is on the minus strand). VCF-style: chr12-55699869-C-T. GRCh37 (hg19) VCF-style: chr12-56093653-C-T.
Other names: c.511+393G>A (NM_001144997.2); c.463+393G>A (NM_001367993.1); c.451+1G>A (NM_001414035.1); c.607+1G>A (NM_001414033.1); c.-502-952G>A (NM_001367994.1); c.671-952G>A (NM_001414032.1); c.790+1G>A (NM_001414031.1, NM_001374465.1, NM_001414034.1); c.802+393G>A (NM_001414030.1, NM_001414029.1, NM_001144996.2); and 1 more.
Identifiers: ClinVar variation 1496421 (VCV001496421.6), dbSNP rs2136045991, ClinGen allele CA385191360.